The following is an entry in ClinVar:

ClinVar aggregate classification (germline): Conflicting classifications of pathogenicity. Review status: criteria provided, conflicting classifications (1 of 4 stars). 4 submissions from 4 submitters: Uncertain significance (3); Benign (1). Last evaluated 2025-11-04.

Conditions:
Hereditary cancer-predisposing syndrome. Also called: Neoplastic Syndromes, Hereditary; Hereditary neoplastic syndrome; Tumor predisposition; Hereditary Cancer Syndrome. Identifiers: Orphanet 140162, MedGen C0027672, MeSH D009386, MONDO:0015356.
Tuberous sclerosis syndrome (TSC). Also called: Tuberous Sclerosis Complex; Tuberous sclerosis. Identifiers: Orphanet 805, MedGen C0041341, MONDO:0001734.
Tuberous sclerosis 2 (TSC2). Identifiers: Orphanet 805, MedGen C1860707, MONDO:0013199, OMIM 613254.

Allele frequency attached by ClinVar (database versions not stated): TOPMed below 0.00001.
gnomAD v4.1: 6 of 1,612,572 alleles (0.00037%); highest among the groups gnomAD compares: Non-Finnish European, 0.00051%; no homozygotes.

Submissions (4):

Color Diagnostics, LLC DBA Color Health
Classification: Uncertain significance for Tuberous sclerosis syndrome. Last evaluated: 2025-11-04. Review status: criteria provided, single submitter. Criteria: ACMG Guidelines, 2015. Collection method: clinical testing. Allele origin: germline.
Comment: This missense variant replaces threonine with lysine at codon 1576 of the TSC2 protein. Computational prediction is inconclusive regarding the impact of this variant on protein structure and function. To our knowledge, functional studies have not been reported for this variant. This variant has not been reported in individuals affected with TSC2-related disorders in the literature. This variant has been identified in 6/1612572 chromosomes in the general population by the Genome Aggregation Database (gnomAD). The available evidence is insufficient to determine the role of this variant in disease conclusively. Therefore, this variant is classified as a Variant of Uncertain Significance.

Labcorp Genetics (formerly Invitae), Labcorp
Classification: Benign for Tuberous sclerosis 2. Last evaluated: 2024-11-29. Review status: criteria provided, single submitter. Criteria: Invitae Variant Classification Sherloc (09022015). Collection method: clinical testing. Allele origin: germline.

Ambry Genetics
Classification: Uncertain significance for Hereditary cancer-predisposing syndrome. Last evaluated: 2024-08-15. Review status: criteria provided, single submitter. Criteria: Ambry Variant Classification Scheme 2023. Collection method: clinical testing. Allele origin: germline.
Comment: The p.T1576K variant (also known as c.4727C>A), located in coding exon 36 of the TSC2 gene, results from a C to A substitution at nucleotide position 4727. The threonine at codon 1576 is replaced by lysine, an amino acid with similar properties. This amino acid position is well conserved in available vertebrate species. In addition, this alteration is predicted to be deleterious by in silico analysis. Since supporting evidence is limited at this time, the clinical significance of this alteration remains unclear.

All of Us Research Program, National Institutes of Health
Classification: Uncertain significance for Tuberous sclerosis syndrome. Last evaluated: 2023-08-15. Review status: criteria provided, single submitter. Criteria: ACMG Guidelines, 2015. Collection method: clinical testing. Allele origin: germline. Inheritance: Autosomal dominant inheritance. Observed: 3 variant alleles, 3 heterozygotes.
Comment: This missense variant replaces threonine with lysine at codon 1576 of the TSC2 protein. Computational prediction is inconclusive regarding the impact of this variant on protein structure and function (internally defined REVEL score threshold 0.5 < inconclusive < 0.7, PMID: 27666373). To our knowledge, functional studies have not been reported for this variant. This variant has not been reported in individuals affected with TSC2-related disorders in the literature. This variant has been identified in 2/249950 chromosomes in the general population by the Genome Aggregation Database (gnomAD). The available evidence is insufficient to determine the role of this variant in disease conclusively. Therefore, this variant is classified as a Variant of Uncertain Significance.

This study involves interpretation of variants in research participants for the purpose of population health screening. Participant phenotype was not available at the time of variant classification. Additional details can be found in publication PMID: 35346344, PMCID: PMC8962531

NM_000548.5(TSC2):c.4727C>A (p.Thr1576Lys)

Gene: TSC2 (TSC complex subunit 2; plus strand). Cytogenetic location: 16p13.3.
Variant type: single nucleotide variant.
Coding change: c.4727C>A on transcript NM_000548.5 (MANE Select); coding-DNA position 4727, C replaced by A.
Protein change: p.Thr1576Lys; replaces threonine 1576 with lysine.
Molecular consequence: missense variant.
Genome position (GRCh38, 1-based): chr16:2,086,257, C>A. VCF-style: chr16-2086257-C-A. GRCh37 (hg19) VCF-style: chr16-2136258-C-A.
Other names: c.4526C>A, p.Thr1509Lys (NM_001077183.3); c.4658C>A, p.Thr1553Lys (NM_001114382.3); c.4418C>A, p.Thr1473Lys (NM_001318827.2); c.4382C>A, p.Thr1461Lys (NM_001318829.2); c.3995C>A, p.Thr1332Lys (NM_001318831.2); c.4559C>A, p.Thr1520Lys (NM_001318832.2); c.4529C>A, p.Thr1510Lys (NM_001363528.2); c.4595C>A, p.Thr1532Lys (NM_001370404.1); and 1 more; short protein forms T1332K, T1461K, T1473K, T1509K, T1532K, T1533K, T1553K, T1576K.
Identifiers: ClinVar variation 839214 (VCV000839214.15), dbSNP rs45437192, ClinGen allele CA052372.